The following is an entry in ClinVar:

ClinVar aggregate classification (germline): Likely benign. Review status: criteria provided, multiple submitters, no conflicts (2 of 4 stars). 5 submissions from 5 submitters: Likely benign (4). 1 of the submissions does not count toward it. Last evaluated 2026-08-01.

Conditions:
PIGQ-related disorder. Also called: PIGQ-related condition.
Epilepsy. Also called: Seizure disorder. Identifiers: MedGen C0014544, MeSH D004827, MONDO:0005027.

Allele frequency attached by ClinVar (database versions not stated): ESP Exome Variant Server 0.00015; gnomAD 0.00015; TOPMed 0.00022; gnomAD exomes 0.00026; ExAC 0.00028.
gnomAD v4.1: 316 of 1,607,620 alleles (0.02%); highest among the groups gnomAD compares: Middle Eastern, 0.25%; no homozygotes.

Submissions (5):

CeGaT Center for Human Genetics Tuebingen
Classification: Likely benign. Last evaluated: 2026-08-01. Review status: criteria provided, single submitter. Criteria: CeGaT Center For Human Genetics Tuebingen Variant Classification Criteria Version 2. Collection method: clinical testing. Allele origin: germline. Affected: yes. Observed: 6 variant alleles.
Comment: PIGQ: BP4, BP7

Labcorp Genetics (formerly Invitae), Labcorp
Classification: Likely benign for Epilepsy. Last evaluated: 2025-10-06. Review status: criteria provided, single submitter. Criteria: Invitae Variant Classification Sherloc (09022015). Collection method: clinical testing. Allele origin: germline.

Blueprint Genetics
Classification: Likely benign. Last evaluated: 2024-10-03. Review status: criteria provided, single submitter. Criteria: ACMG Guidelines, 2015. Collection method: clinical testing. Allele origin: germline.

Breakthrough Genomics
Classification: Likely benign. Review status: criteria provided, single submitter. Criteria: ACMG Guidelines, 2015. Collection method: not provided. Allele origin: germline. Inheritance: Autosomal recessive inheritance. Affected: yes.

PreventionGenetics, part of Exact Sciences
Classification: Likely benign for PIGQ-related condition. Last evaluated: 2024-02-28. Review status: no assertion criteria provided. Collection method: clinical testing. Allele origin: germline. Not counted in ClinVar's aggregate classification.
Comment: This variant is classified as likely benign based on ACMG/AMP sequence variant interpretation guidelines (Richards et al. 2015 PMID: 25741868, with internal and published modifications).

NM_004204.5(PIGQ):c.429G>A (p.Leu143=)

Gene: PIGQ (phosphatidylinositol glycan anchor biosynthesis class Q; plus strand). Cytogenetic location: 16p13.3.
Variant type: single nucleotide variant.
Coding change: c.429G>A on transcript NM_004204.5 (MANE Select); coding-DNA position 429, G replaced by A.
Protein change: p.Leu143=; no amino-acid change (leucine 143 retained).
Molecular consequence: synonymous variant.
Genome position (GRCh38, 1-based): chr16:574,503, G>A. VCF-style: chr16-574503-G-A. GRCh37 (hg19) VCF-style: chr16-624503-G-A.
Other names: c.429G>A, p.Leu143= (NM_148920.4).
Identifiers: ClinVar variation 526285 (VCV000526285.34), dbSNP rs33997204, ClinGen allele CA7779866.